The following is an entry in ClinVar:

NM_001378778.1(MPDZ):c.3328G>A (p.Ala1110Thr)

Gene: MPDZ (multiple PDZ domain crumbs cell polarity complex component; minus strand). Cytogenetic location: 9p23.
Variant type: single nucleotide variant.
Coding change: c.3328G>A on transcript NM_001378778.1 (MANE Select); coding-DNA position 3328, G replaced by A.
Protein change: p.Ala1110Thr; replaces alanine 1110 with threonine.
Molecular consequence: missense variant. On other transcripts: intron variant (1).
Genome position (GRCh38, 1-based): chr9:13,162,722, C>T on the plus strand (G>A on the coding strand, the complement: MPDZ is on the minus strand). VCF-style: chr9-13162722-C-T. GRCh37 (hg19) VCF-style: chr9-13162721-C-T.
Other names: c.3328G>A, p.Ala1110Thr (NM_001261406.2, NM_001261407.2, NM_001330637.2 and 13 more transcripts); c.3254+5644G>A (NM_001375427.1); short protein forms A1110T.
Identifiers: ClinVar variation 1356205 (VCV001356205.8), dbSNP rs765728213, ClinGen allele CA4987165.
Genomic context (GRCh38, chr9:13,162,722, plus strand): 5'-CATTGTATTAGATTTAATGTTTCACTTACCTGCCAGTGTATGAAGAAAAAATATCCAGTG[C>T]CATTACTCTTCCAGATTGTTGTCCCAAGCTTATTTTGAACTCTTCCAAATGTTCTGCAGG-3'
Protein context (NP_001365707.1, residues 1100-1120): SLGQQSGRVM[Ala1110Thr]LDIFSSYTGR

ClinVar aggregate classification (germline): Uncertain significance (1 of 4 stars; one submission).

Allele frequency attached by ClinVar (database versions not stated): TOPMed below 0.00001; gnomAD exomes 0.00001; ExAC 0.00002.
gnomAD v4.1: 7 of 1,610,622 alleles (0.00043%); highest among the groups gnomAD compares: Admixed American, 0.0033%; no homozygotes.

Submission:

Labcorp Genetics (formerly Invitae), Labcorp
Classification: Uncertain significance. Last evaluated: 2022-01-06. Review status: criteria provided, single submitter. Criteria: Invitae Variant Classification Sherloc (09022015). Collection method: clinical testing. Allele origin: germline.
Comment: This sequence change replaces alanine, which is neutral and non-polar, with threonine, which is neutral and polar, at codon 1110 of the MPDZ protein (p.Ala1110Thr). This variant is present in population databases (rs765728213, gnomAD 0.006%). This variant has not been reported in the literature in individuals affected with MPDZ-related conditions. Algorithms developed to predict the effect of missense changes on protein structure and function are either unavailable or do not agree on the potential impact of this missense change (SIFT: "Deleterious"; PolyPhen-2: "Benign"; Align-GVGD: "Class C0"). In summary, the available evidence is currently insufficient to determine the role of this variant in disease. Therefore, it has been classified as a Variant of Uncertain Significance.